The following is an entry in ClinVar:

NM_173560.4(RFX6):c.2399G>C (p.Gly800Ala)

Gene: RFX6 (regulatory factor X6; plus strand). Cytogenetic location: 6q22.1.
Variant type: single nucleotide variant.
Coding change: c.2399G>C on transcript NM_173560.4 (MANE Select); coding-DNA position 2399, G replaced by C.
Protein change: p.Gly800Ala; replaces glycine 800 with alanine.
Molecular consequence: missense variant.
Genome position (GRCh38, 1-based): chr6:116,928,759, G>C. VCF-style: chr6-116928759-G-C. GRCh37 (hg19) VCF-style: chr6-117249922-G-C.
Other names: short protein forms G800A.
Identifiers: ClinVar variation 917476 (VCV000917476.18), dbSNP rs138343620, ClinGen allele CA3973541.

ClinVar aggregate classification (germline): Benign/Likely benign. Review status: criteria provided, multiple submitters, no conflicts (2 of 4 stars). 6 submissions from 6 submitters: Benign (1); Likely benign (4). 1 of the submissions does not count toward it. Last evaluated 2026-01-08.

Conditions:
Monogenic diabetes. Identifiers: Orphanet 183625, MedGen C3888631, MONDO:0015967.
Hypoplastic pancreas-intestinal atresia-hypoplastic gallbalder syndrome. Also called: DIABETES, NEONATAL, WITH PANCREATIC HYPOPLASIA, INTESTINAL ATRESIA, AND GALLBLADDER APLASIA OR HYPOPLASIA; Mitchell-Riley syndrome. Identifiers: Orphanet 293864, MedGen C2748662, MONDO:0017400, OMIM 615710.

Allele frequency attached by ClinVar (database versions not stated): gnomAD exomes 0.00042 and 0.00081; ExAC 0.00084; gnomAD 0.00217 and 0.00225; TOPMed 0.00257; ESP Exome Variant Server 0.00269; 1000 Genomes Project 30x 0.00297; 1000 Genomes Project 0.00319.
gnomAD v4.1: 988 of 1,607,304 alleles (0.061%); highest among the groups gnomAD compares: African/African-American, 0.76%; 6 homozygotes.

Submissions (6):

Labcorp Genetics (formerly Invitae), Labcorp
Classification: Benign. Last evaluated: 2026-01-08. Review status: criteria provided, single submitter. Criteria: Invitae Variant Classification Sherloc (09022015). Collection method: clinical testing. Allele origin: germline.

Blueprint Genetics
Classification: Likely benign. Last evaluated: 2024-10-21. Review status: criteria provided, single submitter. Criteria: ACMG Guidelines, 2015. Collection method: clinical testing. Allele origin: germline.

ARUP Laboratories, Molecular Genetics and Genomics, ARUP Laboratories
Classification: Likely benign for Hypoplastic pancreas-intestinal atresia-hypoplastic gallbalder syndrome. Last evaluated: 2024-03-29. Review status: criteria provided, single submitter. Criteria: ARUP Molecular Germline Variant Investigation Process 2024. Collection method: clinical testing. Allele origin: germline.

Personalized Diabetes Medicine Program, University of Maryland School of Medicine
Classification: Likely benign for Monogenic diabetes. Last evaluated: 2018-06-29. Review status: criteria provided, single submitter. Criteria: ACMG Guidelines, 2015. Collection method: research. Allele origin: unknown. Observed: 1 variant allele, 1 heterozygote.
Comment: ACMG criteria: BP4 (5 predictors + REVEL score 0.148; (3 predictors for PP3), BS2 (1 homozygotes in gnomAD; 18 cases and 21 controls in an online resource), not using BS1 (1% in 1000G African population but 0.7% in gnomAD African population) = likely benign

Breakthrough Genomics
Classification: Likely benign. Review status: criteria provided, single submitter. Criteria: ACMG Guidelines, 2015. Collection method: not provided. Allele origin: germline. Inheritance: Autosomal recessive inheritance. Affected: yes.

Clinical Genetics DNA and cytogenetics Diagnostics Lab, Erasmus MC, Erasmus Medical Center
Classification: Uncertain significance. Review status: no assertion criteria provided. Collection method: clinical testing. Allele origin: germline. Affected: yes. Study: VKGL Data-share Consensus. Not counted in ClinVar's aggregate classification.